The following is an entry in ClinVar:

NM_003384.3(VRK1):c.8G>A (p.Arg3His)

Gene: VRK1 (VRK serine/threonine kinase 1; plus strand). Cytogenetic location: 14q32.2.
Variant type: single nucleotide variant.
Coding change: c.8G>A on transcript NM_003384.3 (MANE Select); coding-DNA position 8, G replaced by A.
Protein change: p.Arg3His; replaces arginine 3 with histidine.
Molecular consequence: missense variant.
Genome position (GRCh38, 1-based): chr14:96,833,479, G>A. VCF-style: chr14-96833479-G-A. GRCh37 (hg19) VCF-style: chr14-97299816-G-A.
Other names: short protein forms R3H.
Identifiers: ClinVar variation 643104 (VCV000643104.5), dbSNP rs902439355, ClinGen allele CA7338834.

ClinVar aggregate classification (germline): Uncertain significance (1 of 4 stars; one submission).

Conditions:
Pontocerebellar hypoplasia type 1A (PCH1A). Also called: PONTOCEREBELLAR HYPOPLASIA WITH ANTERIOR HORN CELL DISEASE; PONTOCEREBELLAR HYPOPLASIA WITH INFANTILE SPINAL MUSCULAR ATROPHY. Identifiers: Orphanet 2254, Orphanet 88616, MedGen C1843504, MONDO:0011866, OMIM 607596.

Allele frequency attached by ClinVar (database versions not stated): TOPMed 0.00001; ExAC 0.00002.
gnomAD v4.1: 7 of 1,613,444 alleles (0.00043%); highest among the groups gnomAD compares: Admixed American, 0.0033%; no homozygotes.

Submission:

Labcorp Genetics (formerly Invitae), Labcorp
Classification: Uncertain significance for Pontocerebellar hypoplasia type 1A. Last evaluated: 2021-09-01. Review status: criteria provided, single submitter. Criteria: Invitae Variant Classification Sherloc (09022015). Collection method: clinical testing. Allele origin: germline.
Comment: This sequence change replaces arginine with histidine at codon 3 of the VRK1 protein (p.Arg3His). The arginine residue is moderately conserved and there is a small physicochemical difference between arginine and histidine. This variant is present in population databases (no rsID available, ExAC 0.006%). This missense change has been observed in individual(s) with clinical features of VRK1-related disease (Invitae). Algorithms developed to predict the effect of missense changes on protein structure and function (SIFT, PolyPhen-2, Align-GVGD) all suggest that this variant is likely to be tolerated. In summary, the available evidence is currently insufficient to determine the role of this variant in disease. Therefore, it has been classified as a Variant of Uncertain Significance.